The following is an entry in ClinVar:

NC_000012.11:g.(?_44176090)_(44176313_?)del

Gene: IRAK4 (interleukin 1 receptor associated kinase 4; plus strand). Cytogenetic location: 12q12.
Variant type: Deletion.
Identifiers: ClinVar variation 1459926 (VCV001459926.8).

ClinVar aggregate classification (germline): Pathogenic (1 of 4 stars; one submission).

Conditions:
Immunodeficiency 67. Also called: Immunodeficiency due to interleukin-1 receptor-associated kinase-4 deficiency. Identifiers: Orphanet 70592, MedGen C1843256, MONDO:0011888, OMIM 607676.

Submission:

Labcorp Genetics (formerly Invitae), Labcorp
Classification: Pathogenic for Immunodeficiency 67. Last evaluated: 2021-02-19. Review status: criteria provided, single submitter. Criteria: Invitae Variant Classification Sherloc (09022015). Collection method: clinical testing. Allele origin: germline.
Comment: For these reasons, this variant has been classified as Pathogenic. A similar copy number deletion has been observed in individual(s) with IRAK-4 deficiency (PMID: 17893200). This variant is a gross deletion of the genomic region encompassing exon(s) 9 of the IRAK4 gene. This deletion is out-of-frame, and is expected to create a premature translational stop signal and result in an absent or disrupted protein product. Loss-of-function variants in IRAK4 are known to be pathogenic (PMID: 17893200, 21057262).

Literature cited by the submitters: PubMed 17893200; PubMed 21057262.